The following is an entry in ClinVar:

NM_002335.4(LRP5):c.3197G>A (p.Arg1066His)

Gene: LRP5 (LDL receptor related protein 5; plus strand). Cytogenetic location: 11q13.2.
Variant type: single nucleotide variant.
Coding change: c.3197G>A on transcript NM_002335.4 (MANE Select); coding-DNA position 3197, G replaced by A.
Protein change: p.Arg1066His; replaces arginine 1066 with histidine.
Molecular consequence: missense variant.
Genome position (GRCh38, 1-based): chr11:68,423,658, G>A. VCF-style: chr11-68423658-G-A. GRCh37 (hg19) VCF-style: chr11-68191126-G-A.
Other names: c.1454G>A, p.Arg485His (NM_001291902.2); short protein forms R485H, R1066H.
Identifiers: ClinVar variation 1977534 (VCV001977534.5), dbSNP rs2098667100, ClinGen allele CA381620914.

ClinVar aggregate classification (germline): Uncertain significance (1 of 4 stars; one submission).

Allele frequency attached by ClinVar (database versions not stated): gnomAD 0.00001; gnomAD exomes 0.00001.
gnomAD v4.1: 10 of 1,613,718 alleles (0.00062%); highest among the groups gnomAD compares: Admixed American, 0.0017%; no homozygotes.

Submission:

Labcorp Genetics (formerly Invitae), Labcorp
Classification: Uncertain significance. Last evaluated: 2025-02-10. Review status: criteria provided, single submitter. Criteria: Invitae Variant Classification Sherloc (09022015). Collection method: clinical testing. Allele origin: germline.
Comment: This sequence change replaces arginine, which is basic and polar, with histidine, which is basic and polar, at codon 1066 of the LRP5 protein (p.Arg1066His). This variant is not present in population databases (gnomAD no frequency). This variant has not been reported in the literature in individuals affected with LRP5-related conditions. ClinVar contains an entry for this variant (Variation ID: 1977534). Invitae Evidence Modeling of protein sequence and biophysical properties (such as structural, functional, and spatial information, amino acid conservation, physicochemical variation, residue mobility, and thermodynamic stability) indicates that this missense variant is not expected to disrupt LRP5 protein function with a negative predictive value of 95%. In summary, the available evidence is currently insufficient to determine the role of this variant in disease. Therefore, it has been classified as a Variant of Uncertain Significance.